The following is an entry in ClinVar:

NM_001003694.2(BRPF1):c.3589G>A (p.Ala1197Thr)

Gene: BRPF1 (bromodomain and PHD finger containing 1; plus strand). Cytogenetic location: 3p25.3.
Variant type: single nucleotide variant.
Coding change: c.3589G>A on transcript NM_001003694.2 (MANE Select); coding-DNA position 3589, G replaced by A.
Protein change: p.Ala1197Thr; replaces alanine 1197 with threonine.
Molecular consequence: missense variant. On other transcripts: non-coding transcript variant (1).
Genome position (GRCh38, 1-based): chr3:9,747,275, G>A. VCF-style: chr3-9747275-G-A. GRCh37 (hg19) VCF-style: chr3-9788959-G-A.
Other names: c.3286G>A, p.Ala1096Thr (NM_001319049.2); c.3568G>A, p.Ala1190Thr (NM_001319050.2); c.3586G>A, p.Ala1196Thr (NM_001410704.1); c.3571G>A, p.Ala1191Thr (NM_004634.3); short protein forms A1096T, A1190T, A1191T, A1196T, A1197T.
Identifiers: ClinVar variation 3372315 (VCV003372315.2).

ClinVar aggregate classification (germline): Likely pathogenic (1 of 4 stars; one submission).

gnomAD v4.1: 1 of 1,614,202 alleles (0.000062%); highest among the groups gnomAD compares: Non-Finnish European, 0.000085%; no homozygotes.

Submission:

GeneDx
Classification: Likely pathogenic. Last evaluated: 2024-12-25. Review status: criteria provided, single submitter. Criteria: GeneDx Variant Classification Process June 2021. Collection method: clinical testing. Allele origin: germline. Affected: yes.
Comment: Not observed at significant frequency in large population cohorts (gnomAD); In silico analysis supports that this missense variant has a deleterious effect on protein structure/function; Has not been previously published as pathogenic or benign to our knowledge